The following is an entry in ClinVar:

ClinVar aggregate classification (germline): Uncertain significance (1 of 4 stars; one submission).

Conditions:
Combined immunodeficiency due to CTPS1 deficiency. Also called: Immunodeficiency 24; Severe combined immunodeficiency due to CTPS1 deficiency. Identifiers: Orphanet 420573, MedGen C4014617, MONDO:0014391, OMIM 615897.

Allele frequency attached by ClinVar (database versions not stated): gnomAD exomes 0.00001; ExAC 0.00002; TOPMed 0.00002; gnomAD 0.00003; ESP Exome Variant Server 0.00008; 1000 Genomes Project 30x 0.00016; 1000 Genomes Project 0.00020.
gnomAD v4.1: 50 of 1,605,554 alleles (0.0031%); highest among the groups gnomAD compares: South Asian, 0.0056%; no homozygotes.

Submission:

Labcorp Genetics (formerly Invitae), Labcorp
Classification: Uncertain significance for Combined immunodeficiency due to CTPS1 deficiency. Last evaluated: 2026-01-05. Review status: criteria provided, single submitter. Criteria: Invitae Variant Classification Sherloc (09022015). Collection method: clinical testing. Allele origin: germline.
Comment: This sequence change replaces arginine, which is basic and polar, with histidine, which is basic and polar, at codon 81 of the CTPS1 protein (p.Arg81His). This variant is present in population databases (rs376970699, gnomAD 0.007%). This variant has not been reported in the literature in individuals affected with CTPS1-related conditions. ClinVar contains an entry for this variant (Variation ID: 658314). An algorithm developed to predict the effect of missense changes on protein structure and function (PolyPhen-2) suggests that this variant is likely to be disruptive. In summary, the available evidence is currently insufficient to determine the role of this variant in disease. Therefore, it has been classified as a Variant of Uncertain Significance.

NM_001905.4(CTPS1):c.242G>A (p.Arg81His)

Gene: CTPS1 (CTP synthase 1; plus strand). Cytogenetic location: 1p34.2.
Variant type: single nucleotide variant.
Coding change: c.242G>A on transcript NM_001905.4 (MANE Select); coding-DNA position 242, G replaced by A.
Protein change: p.Arg81His; replaces arginine 81 with histidine.
Molecular consequence: missense variant. On other transcripts: non-coding transcript variant (1).
Genome position (GRCh38, 1-based): chr1:40,984,896, G>A. VCF-style: chr1-40984896-G-A. GRCh37 (hg19) VCF-style: chr1-41450568-G-A.
Other names: short protein forms R81H.
Identifiers: ClinVar variation 658314 (VCV000658314.7), dbSNP rs376970699, ClinGen allele CA795190.